The following is an entry in ClinVar:

NM_000238.4(KCNH2):c.2369T>C (p.Leu790Pro)

Gene: KCNH2 (potassium voltage-gated channel subfamily H member 2; minus strand). Cytogenetic location: 7q36.1.
Variant type: single nucleotide variant.
Coding change: c.2369T>C on transcript NM_000238.4 (MANE Select); coding-DNA position 2369, T replaced by C.
Protein change: p.Leu790Pro; replaces leucine 790 with proline.
Molecular consequence: missense variant.
Genome position (GRCh38, 1-based): chr7:150,950,197, A>G on the plus strand (T>C on the coding strand, the complement: KCNH2 is on the minus strand). VCF-style: chr7-150950197-A-G. GRCh37 (hg19) VCF-style: chr7-150647285-A-G.
Other names: p.Leu790Pro; c.1349T>C, p.Leu450Pro (NM_001204798.2, NM_172057.3); c.2081T>C, p.Leu694Pro (NM_001406753.1, NM_001406756.1); c.2192T>C, p.Leu731Pro (NM_001406755.1); c.2069T>C, p.Leu690Pro (NM_001406757.1); c.2369T>C, p.Leu790Pro (NM_172056.3); short protein forms L450P, L790P, L690P, L694P, L731P.
Identifiers: ClinVar variation 1027323 (VCV001027323.12), dbSNP rs1801084514, ClinGen allele CA369856029.

ClinVar aggregate classification (germline): Likely pathogenic. Review status: criteria provided, multiple submitters, no conflicts (2 of 4 stars). 2 submissions from 2 submitters: Likely pathogenic (2). Last evaluated 2022-11-21.

Conditions:
Long QT syndrome 2 (LQT2). Identifiers: Orphanet 101016, Orphanet 768, MedGen C3150943, MONDO:0013367, OMIM 613688.
Long QT syndrome (LQTS). Identifiers: MedGen C0023976, MeSH D008133, MONDO:0002442. Disease mechanism: loss of function. Inheritance: Various modes of inheritance.

Allele frequency attached by ClinVar (database versions not stated): 1000 Genomes Project 30x 0.00031.

Submissions (2):

Labcorp Genetics (formerly Invitae), Labcorp
Classification: Likely pathogenic for Long QT syndrome. Last evaluated: 2022-11-21. Review status: criteria provided, single submitter. Criteria: Invitae Variant Classification Sherloc (09022015). Collection method: clinical testing. Allele origin: germline.
Comment: This sequence change replaces leucine, which is neutral and non-polar, with proline, which is neutral and non-polar, at codon 790 of the KCNH2 protein (p.Leu790Pro). In summary, the currently available evidence indicates that the variant is pathogenic, but additional data are needed to prove that conclusively. Therefore, this variant has been classified as Likely Pathogenic. Experimental studies have shown that this missense change affects KCNH2 function (Victor Chang Cardiac Research Institute). Algorithms developed to predict the effect of missense changes on protein structure and function are either unavailable or do not agree on the potential impact of this missense change (SIFT: "Deleterious"; PolyPhen-2: "Probably Damaging"; Align-GVGD: "Class C0"). ClinVar contains an entry for this variant (Variation ID: 1027323). This missense change has been observed in individuals with clinical features of Long QT syndrome (Invitae). It has also been observed to segregate with disease in related individuals. This variant is not present in population databases (gnomAD no frequency).

Petrovsky National Research Centre of Surgery, The Federal Agency for Scientific Organizations
Classification: Likely pathogenic for Long QT syndrome 2. Last evaluated: 2021-10-28. Review status: criteria provided, single submitter. Criteria: ACMG Guidelines, 2015. Collection method: clinical testing. Allele origin: germline. Inheritance: Autosomal dominant inheritance. Affected: yes. Observed: 1 heterozygote.
Comment: This variant is not present in databases (gnomAD, LOVD). Multiple computational resources predict deleterious effect of p.Leu790Pro variant and intolerance of missense variants of the KCNH2 gene. Based on this evidence, we consider it to classify the p.Leu790Pro variant as Likely Pathogenic.